The following is an entry in ClinVar:

NM_024685.4(BBS10):c.641T>A (p.Val214Glu)

Gene: BBS10 (Bardet-Biedl syndrome 10; minus strand). Cytogenetic location: 12q21.2.
Variant type: single nucleotide variant.
Coding change: c.641T>A on transcript NM_024685.4 (MANE Select); coding-DNA position 641, T replaced by A.
Protein change: p.Val214Glu; replaces valine 214 with glutamic acid.
Molecular consequence: missense variant.
Genome position (GRCh38, 1-based): chr12:76,347,344, A>T on the plus strand (T>A on the coding strand, the complement: BBS10 is on the minus strand). VCF-style: chr12-76347344-A-T. GRCh37 (hg19) VCF-style: chr12-76741124-A-T.
Other names: short protein forms V214E.
Identifiers: ClinVar variation 2679986 (VCV002679986.3), dbSNP rs570935105, ClinGen allele CA385814727.

ClinVar aggregate classification (germline): Conflicting classifications of pathogenicity. Review status: criteria provided, conflicting classifications (1 of 4 stars). 2 submissions from 2 submitters: Likely pathogenic (1); Uncertain significance (1). Last evaluated 2025-10-16.

Conditions:
Bardet-Biedl syndrome 10 (BBS10). Identifiers: Orphanet 110, MedGen C1859568, MONDO:0014438, OMIM 615987.

Submissions (2):

Myriad Genetics, Inc.
Classification: Uncertain significance for Bardet-Biedl syndrome 10. Last evaluated: 2025-10-16. Review status: criteria provided, single submitter. Criteria: Myriad Autosomal Dominant, Autosomal Recessive and X-Linked Classification Criteria (2023). Collection method: clinical testing. Allele origin: unknown.
Comment: NM_024685.3(BBS10):c.641T>A(V214E) is a missense variant classified as a variant of uncertain significance in the context of Bardet-Biedl syndrome, BBS10-related. V214E has been observed in cases with relevant disease (PMID: 28143435, 31196119). Relevant functional assessments of this variant are not available in the literature. V214E has not been observed in referenced population frequency databases. In summary, there is insufficient evidence to classify NM_024685.3(BBS10):c.641T>A(V214E) as pathogenic or benign. Please note: this variant was assessed in the context of healthy population screening.

Baylor Genetics
Classification: Likely pathogenic for Bardet-Biedl syndrome 10. Last evaluated: 2024-01-16. Review status: criteria provided, single submitter. Criteria: ACMG Guidelines, 2015. Collection method: clinical testing. Allele origin: unknown.

Literature cited by the submitters: PubMed 28143435 (cited by Myriad Genetics, Inc.); PubMed 31196119 (cited by Myriad Genetics, Inc.).